The following is an entry in ClinVar:

NM_005618.4(DLL1):c.2167-7C>T

Genes: DLL1 (delta like canonical Notch ligand 1; minus strand), LOC126859913 (P300/CBP strongly-dependent group 1 enhancer GRCh37_chr6:170591232-170592431; plus strand). Cytogenetic location: 6q27.
Variant type: single nucleotide variant.
Coding change: c.2167-7C>T on transcript NM_005618.4 (MANE Select); 7 bases into the intron before coding-DNA position 2167, C replaced by T.
Molecular consequence: intron variant.
Genome position (GRCh38, 1-based): chr6:170,282,886, G>A on the plus strand (C>T on the coding strand, the complement: DLL1 is on the minus strand). VCF-style: chr6-170282886-G-A. GRCh37 (hg19) VCF-style: chr6-170591974-G-A.
Identifiers: ClinVar variation 1952626 (VCV001952626.24), dbSNP rs374745563, ClinGen allele CA4106562.
Genomic context (GRCh38, chr6:170,282,886, plus strand): 5'-TTTTACTTATTTTAAGAGAAACGGGAGTCTTGCCATCTCACTTCCATTTTACACCTGGGG[G>A]GCCACAAGACAAATGGGAAGTTAGCCTGAGACCGATTCCCGTGCTCCAGCTTCAGGTGCT-3'

ClinVar aggregate classification (germline): Likely benign. Review status: criteria provided, multiple submitters, no conflicts (2 of 4 stars). 2 submissions from 2 submitters: Likely benign (2). Last evaluated 2024-05-01.

Allele frequency attached by ClinVar (database versions not stated): ExAC 0.00001; gnomAD 0.00001; TOPMed 0.00001; ESP Exome Variant Server 0.00008.
gnomAD v4.1: 37 of 1,614,036 alleles (0.0023%); highest among the groups gnomAD compares: Middle Eastern, 0.017%; no homozygotes.

Submissions (2):

CeGaT Center for Human Genetics Tuebingen
Classification: Likely benign. Last evaluated: 2024-05-01. Review status: criteria provided, single submitter. Criteria: CeGaT Center For Human Genetics Tuebingen Variant Classification Criteria Version 2. Collection method: clinical testing. Allele origin: germline. Affected: yes. Observed: 1 variant allele.
Comment: DLL1: BP4, BS2

Labcorp Genetics (formerly Invitae), Labcorp
Classification: Likely benign. Last evaluated: 2022-07-26. Review status: criteria provided, single submitter. Criteria: Invitae Variant Classification Sherloc (09022015). Collection method: clinical testing. Allele origin: germline.